The following is an entry in ClinVar:

NM_052947.4(ALPK2):c.5725T>C (p.Tyr1909His)

Gene: ALPK2 (alpha kinase 2; minus strand). Cytogenetic location: 18q21.31.
Variant type: single nucleotide variant.
Coding change: c.5725T>C on transcript NM_052947.4 (MANE Select); coding-DNA position 5725, T replaced by C.
Protein change: p.Tyr1909His; replaces tyrosine 1909 with histidine.
Molecular consequence: missense variant.
Genome position (GRCh38, 1-based): chr18:58,517,123, A>G on the plus strand (T>C on the coding strand, the complement: ALPK2 is on the minus strand). VCF-style: chr18-58517123-A-G. GRCh37 (hg19) VCF-style: chr18-56184355-A-G.
Other names: short protein forms Y1909H.
Identifiers: ClinVar variation 2625976 (VCV002625976.2), dbSNP rs777629986, ClinGen allele CA402549099.
Genomic context (GRCh38, chr18:58,517,123, plus strand): 5'-CCCCTTCTCCAAAGTGCAGCTCCTCCGTGGCGATCTGACCACGCAGGCGGCCCCCAAAGT[A>G]GCTGTCATGGAGGAAGTCTTCTTTGAAGATGAGTTGGCTGAATTCAATCTCTTCACATCC-3'
Protein context (NP_443179.3, residues 1899-1919): IFKEDFLHDS[Tyr1909His]FGGRLRGQIA

ClinVar aggregate classification (germline): Uncertain significance (1 of 4 stars; one submission).

Allele frequency attached by ClinVar (database versions not stated): gnomAD exomes below 0.00001.
gnomAD v4.1: 3 of 1,614,186 alleles (0.00019%); highest among the groups gnomAD compares: Non-Finnish European, 0.00025%; no homozygotes.

Submission:

Ambry Genetics
Classification: Uncertain significance. Last evaluated: 2023-06-24. Review status: criteria provided, single submitter. Criteria: Ambry Variant Classification Scheme 2023. Collection method: clinical testing. Allele origin: germline.
Comment: The p.Y1909H variant (also known as c.5725T>C), located in coding exon 8 of the ALPK2 gene, results from a T to C substitution at nucleotide position 5725. The tyrosine at codon 1909 is replaced by histidine, an amino acid with similar properties. This amino acid position is conserved. In addition, this alteration is predicted to be tolerated by in silico analysis. Since supporting evidence is limited at this time, the clinical significance of this alteration remains unclear.